The following is an entry in ClinVar:

ClinVar aggregate classification (germline): Pathogenic. Review status: criteria provided, multiple submitters, no conflicts (2 of 4 stars). 2 submissions from 2 submitters: Pathogenic (2). Last evaluated 2025-06-19.

Conditions:
Familial cancer of breast. Also called: Hereditary breast cancer; hereditary breast carcinoma; BREAST CANCER, FAMILIAL. Identifiers: Orphanet 227535, MedGen C0346153, MONDO:0016419, OMIM 114480. Disease mechanism: loss of function.
Ataxia-telangiectasia syndrome (AT). Also called: Cerebello-oculocutaneous telangiectasia; Immunodeficiency with ataxia telangiectasia; Ataxia-telangiectasia, complementation group D; AT, COMPLEMENTATION GROUP C; Ataxia-telangiectasia, complementation group E; LOUIS-BAR SYNDROME. Identifiers: Orphanet 100, MedGen C0004135, MONDO:0008840, OMIM 208900.

Submissions (2):

Labcorp Genetics (formerly Invitae), Labcorp
Classification: Pathogenic for Ataxia-telangiectasia syndrome. Last evaluated: 2025-06-19. Review status: criteria provided, single submitter. Criteria: Invitae Variant Classification Sherloc (09022015). Collection method: clinical testing. Allele origin: germline.
Comment: This sequence change creates a premature translational stop signal (p.Gln1128*) in the ATM gene. It is expected to result in an absent or disrupted protein product. Loss-of-function variants in ATM are known to be pathogenic (PMID: 23807571, 25614872). This variant is not present in population databases (gnomAD no frequency). This premature translational stop signal has been observed in individual(s) with ataxia-telangiectasia (PMID: 10330348). ClinVar contains an entry for this variant (Variation ID: 453464). Algorithms developed to predict the effect of sequence changes on RNA splicing suggest that this variant may disrupt the consensus splice site. For these reasons, this variant has been classified as Pathogenic.

Myriad Genetics, Inc.
Classification: Pathogenic for Familial cancer of breast. Last evaluated: 2024-01-22. Review status: criteria provided, single submitter. Criteria: Myriad Autosomal Dominant, Autosomal Recessive and X-Linked Classification Criteria (2023). Collection method: clinical testing. Allele origin: unknown.
Comment: This variant is considered pathogenic. This variant creates a termination codon and is predicted to result in premature protein truncation.

Literature cited by the submitters: PubMed 23807571 (cited by Labcorp Genetics (formerly Invitae), Labcorp); PubMed 25614872 (cited by Labcorp Genetics (formerly Invitae), Labcorp); PubMed 10330348 (cited by Labcorp Genetics (formerly Invitae), Labcorp).

NM_000051.4(ATM):c.3382C>T (p.Gln1128Ter)

Gene: ATM (ATM serine/threonine kinase; plus strand). Cytogenetic location: 11q22.3.
Variant type: single nucleotide variant.
Coding change: c.3382C>T on transcript NM_000051.4 (MANE Select); coding-DNA position 3382, C replaced by T.
Protein change: p.Gln1128Ter; replaces glutamine 1128 with a stop codon.
Molecular consequence: nonsense.
Genome position (GRCh38, 1-based): chr11:108,279,588, C>T. VCF-style: chr11-108279588-C-T. GRCh37 (hg19) VCF-style: chr11-108150315-C-T.
Other names: c.3382C>T, p.Gln1128Ter (NM_001351834.2); short protein forms Q1128*.
Identifiers: ClinVar variation 453464 (VCV000453464.10), dbSNP rs876659825, ClinGen allele CA382517750.